The following is an entry in ClinVar:

ClinVar aggregate classification (germline): Uncertain significance (1 of 4 stars; one submission).

Conditions:
Joubert syndrome 23 (JBTS23). Identifiers: Orphanet 475, MedGen C4084822, MONDO:0014664, OMIM 616490.
Short-rib thoracic dysplasia 14 with polydactyly (SRTD14). Identifiers: Orphanet 397715, MedGen C4225286, MONDO:0014688, OMIM 616546.

Submission:

Labcorp Genetics (formerly Invitae), Labcorp
Classification: Uncertain significance for Joubert syndrome 23; Short-rib thoracic dysplasia 14 with polydactyly. Last evaluated: 2024-10-08. Review status: criteria provided, single submitter. Criteria: Invitae Variant Classification Sherloc (09022015). Collection method: clinical testing. Allele origin: germline.
Comment: This sequence change falls in intron 1 of the KIAA0586 gene. It does not directly change the encoded amino acid sequence of the KIAA0586 protein. It affects a nucleotide within the consensus splice site. This variant is not present in population databases (gnomAD no frequency). This variant has not been reported in the literature in individuals affected with KIAA0586-related conditions. ClinVar contains an entry for this variant (Variation ID: 1992547). Variants that disrupt the consensus splice site are a relatively common cause of aberrant splicing (PMID: 17576681, 9536098). Algorithms developed to predict the effect of sequence changes on RNA splicing suggest that this variant may disrupt the consensus splice site. In summary, the available evidence is currently insufficient to determine the role of this variant in disease. Therefore, it has been classified as a Variant of Uncertain Significance.

Literature cited by the submitters: PubMed 17576681; PubMed 9536098.

NM_001244189.2(KIAA0586):c.9+5G>C

Gene: KIAA0586 (KIAA0586; plus strand). Cytogenetic location: 14q23.1.
Variant type: single nucleotide variant.
Coding change: c.9+5G>C on transcript NM_001244189.2; 5 bases into the intron after coding-DNA position 9, G replaced by C.
Molecular consequence: intron variant.
Genome position (GRCh38, 1-based): chr14:58,427,642, G>C. VCF-style: chr14-58427642-G-C. GRCh37 (hg19) VCF-style: chr14-58894360-G-C.
Other names: c.-39+5G>C (NM_001244190.2); c.-57+5G>C (NM_001244192.2, NM_001244191.2).
Identifiers: ClinVar variation 1992547 (VCV001992547.4), dbSNP rs2542417241, ClinGen allele CA2580088260.